The following is an entry in ClinVar:

NM_024753.5(TTC21B):c.1685A>G (p.Tyr562Cys)

Gene: TTC21B (tetratricopeptide repeat domain 21B; minus strand). Cytogenetic location: 2q24.3.
Variant type: single nucleotide variant.
Coding change: c.1685A>G on transcript NM_024753.5 (MANE Select); coding-DNA position 1685, A replaced by G.
Protein change: p.Tyr562Cys; replaces tyrosine 562 with cysteine.
Molecular consequence: missense variant.
Genome position (GRCh38, 1-based): chr2:165,917,471, T>C on the plus strand (A>G on the coding strand, the complement: TTC21B is on the minus strand). VCF-style: chr2-165917471-T-C. GRCh37 (hg19) VCF-style: chr2-166773981-T-C.
Other names: short protein forms Y562C.
Identifiers: ClinVar variation 1467229 (VCV001467229.6), dbSNP rs1686220039, ClinGen allele CA349060595.

ClinVar aggregate classification (germline): Uncertain significance. Review status: criteria provided, multiple submitters, no conflicts (2 of 4 stars). 2 submissions from 2 submitters: Uncertain significance (2). Last evaluated 2022-04-14.

Conditions:
Jeune thoracic dystrophy. Also called: Jeune syndrome; Infantile thoracic dystrophy; Thoracic pelvic phalangeal dystrophy; Jeune's syndrome; Chondroectodermal dysplasia-like syndrome; Short-rib thoracic dysplasia. Identifiers: Orphanet 474, MedGen C0265275, MONDO:0018770.
Nephronophthisis. Also called: Juvenile Nephronophthisis. Identifiers: Orphanet 655, MedGen C0687120, MONDO:0019005, HP:0000090.
Asphyxiating thoracic dystrophy 4 (SRTD4). Also called: SHORT-RIB THORACIC DYSPLASIA 4; SHORT-RIB THORACIC DYSPLASIA 4 WITH OR WITHOUT POLYDACTYLY. Identifiers: Orphanet 474, MedGen C3151185, MONDO:0013441, OMIM 613819.
Nephronophthisis 12 (NPHP12). Identifiers: Orphanet 655, MedGen C3151186, MONDO:0013442, OMIM 613820.

Allele frequency attached by ClinVar (database versions not stated): gnomAD 0.00001; TOPMed 0.00001.

Submissions (2):

Fulgent Genetics
Classification: Uncertain significance for Asphyxiating thoracic dystrophy 4; Nephronophthisis 12. Last evaluated: 2022-04-14. Review status: criteria provided, single submitter. Criteria: ACMG Guidelines, 2015. Collection method: clinical testing. Allele origin: unknown.

Labcorp Genetics (formerly Invitae), Labcorp
Classification: Uncertain significance for Jeune thoracic dystrophy; Nephronophthisis. Last evaluated: 2021-09-01. Review status: criteria provided, single submitter. Criteria: Invitae Variant Classification Sherloc (09022015). Collection method: clinical testing. Allele origin: germline.
Comment: This sequence change replaces tyrosine with cysteine at codon 562 of the TTC21B protein (p.Tyr562Cys). The tyrosine residue is moderately conserved and there is a large physicochemical difference between tyrosine and cysteine. This variant is not present in population databases (ExAC no frequency). This variant has not been reported in the literature in individuals affected with TTC21B-related conditions. Algorithms developed to predict the effect of missense changes on protein structure and function output the following: SIFT: "Tolerated"; PolyPhen-2: "Benign"; Align-GVGD: "Class C0". The cysteine amino acid residue is found in multiple mammalian species, which suggests that this missense change does not adversely affect protein function. In summary, the available evidence is currently insufficient to determine the role of this variant in disease. Therefore, it has been classified as a Variant of Uncertain Significance.